The following is an entry in ClinVar:

NM_170606.3(KMT2C):c.12129T>C (p.Thr4043=)

Gene: KMT2C (lysine methyltransferase 2C; minus strand). Cytogenetic location: 7q36.1.
Variant type: single nucleotide variant.
Coding change: c.12129T>C on transcript NM_170606.3 (MANE Select); coding-DNA position 12129, T replaced by C.
Protein change: p.Thr4043=; no amino-acid change (threonine 4043 retained).
Molecular consequence: synonymous variant.
Genome position (GRCh38, 1-based): chr7:152,154,277, A>G on the plus strand (T>C on the coding strand, the complement: KMT2C is on the minus strand). VCF-style: chr7-152154277-A-G. GRCh37 (hg19) VCF-style: chr7-151851362-A-G.
Identifiers: ClinVar variation 1544151 (VCV001544151.10), dbSNP rs780142593, ClinGen allele CA4578890.
Genomic context (GRCh38, chr7:152,154,277, plus strand): 5'-TAAATTGGCGTAGTGTAAAGGGAAATAATAAGGTTAAGTGTTGTTCTTACTTTTCCCAGC[A>G]GTGCTAGGAAGAATTGGAATGATGGGGGACGGCACCGGTTCTGGAGGCTCCTCCTTGACC-3'
Protein context (NP_733751.2, residues 4033-4053): PSPIIPILPS[Thr4043=]AGKSSESRRN

ClinVar aggregate classification (germline): Likely benign. Review status: criteria provided, multiple submitters, no conflicts (2 of 4 stars). 2 submissions from 2 submitters: Likely benign (2). Last evaluated 2026-05-01.

Allele frequency attached by ClinVar (database versions not stated): gnomAD exomes 0.00002 and 0.00001; gnomAD 0.00001 and 0.00002; TOPMed 0.00001; ExAC 0.00002.
gnomAD v4.1: 9 of 1,614,116 alleles (0.00056%); highest among the groups gnomAD compares: Admixed American, 0.01%; no homozygotes.

Submissions (2):

CeGaT Center for Human Genetics Tuebingen
Classification: Likely benign. Last evaluated: 2026-05-01. Review status: criteria provided, single submitter. Criteria: CeGaT Center For Human Genetics Tuebingen Variant Classification Criteria Version 2. Collection method: clinical testing. Allele origin: germline. Affected: yes. Observed: 1 variant allele.
Comment: KMT2C: BP4, BP7

Labcorp Genetics (formerly Invitae), Labcorp
Classification: Likely benign. Last evaluated: 2024-02-24. Review status: criteria provided, single submitter. Criteria: Invitae Variant Classification Sherloc (09022015). Collection method: clinical testing. Allele origin: germline.